The following is an entry in ClinVar:

ClinVar aggregate classification (germline): Uncertain significance (1 of 4 stars; one submission).

Submission:

Women's Health and Genetics/Laboratory Corporation of America, LabCorp
Classification: Uncertain significance. Last evaluated: 2023-12-11. Review status: criteria provided, single submitter. Criteria: LabCorp Variant Classification Summary - May 2015. Collection method: clinical testing. Allele origin: germline.
Comment: Variant summary: The variant involves the duplication of exons 9-22 in the POMGNT1 gene. A presumed nomenclature of c.(751+1_752-1)_(*588_?)dup has been designated for the purposes of this classification. The exact breakpoint at the 3' end of this variant is unknown, therefore this duplication may extend downstream of the annotated region of the gene. As it duplicates the termination codon, its effect on the encoded protein is unknown. A large duplication variant (~122 kbp) that extends downstream of the gene was found at a frequency of 3.8e-05 in 441,905 control chromosomes, predominantly at a frequency of 0.00043 within the Latino subpopulation in the gnomAD database (CNVs v4.0 dataset). The available data on variant occurrences in the general population are insufficient to allow any conclusion about variant significance. To our knowledge, no occurrence of c.(751+1_752-1)_(*588_?)dup in individuals affected with Limb-Girdle Muscular Dystrophy, Autosomal Recessive and no experimental evidence demonstrating its impact on protein function have been reported. One submitter has cited clinical-significance assessments for this variant to ClinVar after 2014 and has classified the variant as uncertain significance. Based on the evidence outlined above, the variant was classified as uncertain significance.

NC_000001.10:g.(?_46654354)_(46660074_46660224)dup

Gene: POMGNT1 (protein O-linked mannose N-acetylglucosaminyltransferase 1 (beta 1,2-); minus strand). Cytogenetic location: 1p34.1.
Variant type: Duplication.
Identifiers: ClinVar variation 2691600 (VCV002691600.1).